The following is an entry in ClinVar:

NM_000540.3(RYR1):c.4160+1G>A

Gene: RYR1 (ryanodine receptor 1; plus strand). Cytogenetic location: 19q13.2.
Variant type: single nucleotide variant.
Coding change: c.4160+1G>A on transcript NM_000540.3 (MANE Select); the canonical splice donor site of the intron after coding-DNA position 4160, G replaced by A.
Molecular consequence: splice donor variant.
Genome position (GRCh38, 1-based): chr19:38,473,772, G>A. VCF-style: chr19-38473772-G-A. GRCh37 (hg19) VCF-style: chr19-38964412-G-A.
Other names: c.4160+1G>A (NM_001042723.2).
Identifiers: ClinVar variation 427768 (VCV000427768.8), dbSNP rs113460156, ClinGen allele CA405643333.

ClinVar aggregate classification (germline): Conflicting classifications of pathogenicity. Review status: criteria provided, conflicting classifications (1 of 4 stars). 5 submissions from 5 submitters: Likely pathogenic (3); Uncertain significance (1). 1 of the submissions does not count toward it. Last evaluated 2025-10-24.

Conditions:
Congenital myopathy with fiber type disproportion. Also called: Congenital fiber-type disproportion myopathy; Congenital fiber-type disproportion. Identifiers: Orphanet 2020, MedGen C0546264, MONDO:0009711. Inheritance: all.
King Denborough syndrome (KDS). Identifiers: MedGen C1840365, MONDO:0020485, OMIM 619542.
Central core myopathy (CMYO1A). Also called: Central core disease; Myopathy, central fibrillar; CONGENITAL MYOPATHY 1A, AUTOSOMAL DOMINANT, WITH SUSCEPTIBILITY TO MALIGNANT HYPERTHERMIA. Identifiers: Orphanet 597, MedGen C5830701, MONDO:0007294, OMIM 117000.
Congenital multicore myopathy with external ophthalmoplegia (CMYO1B). Also called: Congenital myopathy 1B, autosomal recessive; Minicore myopathy; MULTIMINICORE DISEASE WITH EXTERNAL OPHTHALMOPLEGIA; MULTICORE MYOPATHY; Minicore myopathy with external ophthalmoplegia. Identifiers: Orphanet 598, Orphanet 98905, MedGen C1850674, MONDO:0009712, OMIM 255320, HP:0003789.
Malignant hyperthermia, susceptibility to, 1 (MHS1). Also called: Malignant hyperthermia suceptibility 1; Anesthesia related hyperthermia; Malignant hyperpyrexia; Fulminating hyperpyrexia; Pharmacogenic myopathy; RYR1-Related Malignant Hyperthermia Susceptibility. Identifiers: Orphanet 423, MedGen C2930980, MONDO:0007783, OMIM 145600.
Hypotonia. Also called: Muscular hypotonia; poor muscle tone. Identifiers: MedGen C0026827, HP:0001252.
RYR1-related disorder. Also called: RYR1-related condition; RYR1-related disorders. Identifiers: MedGen CN239331.

Allele frequency attached by ClinVar (database versions not stated): gnomAD exomes below 0.00001; TOPMed below 0.00001; gnomAD 0.00001.
gnomAD v4.1: 2 of 1,521,138 alleles (0.00013%); highest among the groups gnomAD compares: South Asian, 0.0012%; no homozygotes.

Submissions (5):

GeneDx
Classification: Likely pathogenic. Last evaluated: 2025-10-24. Review status: criteria provided, single submitter. Criteria: GeneDx Variant Classification Process June 2021. Collection method: clinical testing. Allele origin: germline.
Comment: Canonical splice site variant predicted to result in a null allele in a gene for which loss of function is a known mechanism of disease; Not observed at significant frequency in large population cohorts (gnomAD); Has not been previously published as pathogenic or benign to our knowledge

Labcorp Genetics (formerly Invitae), Labcorp
Classification: Likely pathogenic for RYR1-related disorder. Last evaluated: 2025-01-10. Review status: criteria provided, single submitter. Criteria: Invitae Variant Classification Sherloc (09022015). Collection method: clinical testing. Allele origin: germline.
Comment: This sequence change affects a donor splice site in intron 28 of the RYR1 gene. It is expected to disrupt RNA splicing. Variants that disrupt the donor or acceptor splice site typically lead to a loss of protein function (PMID: 16199547), and loss-of-function variants in RYR1 are known to be pathogenic (PMID: 23919265, 25960145, 28818389, 30611313). This variant is not present in population databases (gnomAD no frequency). This variant has not been reported in the literature in individuals affected with RYR1-related conditions. ClinVar contains an entry for this variant (Variation ID: 427768). Algorithms developed to predict the effect of sequence changes on RNA splicing suggest that this variant may disrupt the consensus splice site. In summary, the currently available evidence indicates that the variant is pathogenic, but additional data are needed to prove that conclusively. Therefore, this variant has been classified as Likely Pathogenic.

All of Us Research Program, National Institutes of Health
Classification: Uncertain significance for Malignant hyperthermia, susceptibility to, 1. Last evaluated: 2024-09-23. Review status: criteria provided, single submitter. Criteria: ACMG Guidelines, 2015. Collection method: clinical testing. Allele origin: germline. Inheritance: Autosomal dominant inheritance. Observed: 2 variant alleles, 2 heterozygotes.
Comment: This study involves interpretation of variants in research participants for the purpose of population health screening. Participant phenotype was not available at the time of variant classification. Additional details can be found in publication PMID: 35346344, PMCID: PMC8962531

Fulgent Genetics
Classification: Likely pathogenic for Central core myopathy; Malignant hyperthermia, susceptibility to, 1; Congenital myopathy 4A, autosomal dominant; Congenital multicore myopathy with external ophthalmoplegia; King Denborough syndrome. Last evaluated: 2021-08-27. Review status: criteria provided, single submitter. Criteria: ACMG Guidelines, 2015. Collection method: clinical testing. Allele origin: unknown.

Institute of Human Genetics, University of Wuerzburg
Classification: Likely pathogenic for Hypotonia. Review status: no assertion criteria provided. Collection method: clinical testing. Allele origin: unknown. Not counted in ClinVar's aggregate classification.

Literature cited by the submitters: PubMed 16199547 (cited by Labcorp Genetics (formerly Invitae), Labcorp); PubMed 23919265 (cited by Labcorp Genetics (formerly Invitae), Labcorp); PubMed 25960145 (cited by Labcorp Genetics (formerly Invitae), Labcorp); PubMed 28818389 (cited by Labcorp Genetics (formerly Invitae), Labcorp); PubMed 30611313 (cited by Labcorp Genetics (formerly Invitae), Labcorp).